The following is an entry in ClinVar:

ClinVar aggregate classification (germline): Uncertain significance (1 of 4 stars; one submission).

Allele frequency attached by ClinVar (database versions not stated): gnomAD exomes below 0.00001 and 0.00001; ExAC 0.00002.
gnomAD v4.1: 3 of 1,601,232 alleles (0.00019%); highest among the groups gnomAD compares: Non-Finnish European, 0.00026%; no homozygotes.

Submission:

Labcorp Genetics (formerly Invitae), Labcorp
Classification: Uncertain significance. Last evaluated: 2022-03-20. Review status: criteria provided, single submitter. Criteria: Invitae Variant Classification Sherloc (09022015). Collection method: clinical testing. Allele origin: germline.
Comment: In summary, the available evidence is currently insufficient to determine the role of this variant in disease. Therefore, it has been classified as a Variant of Uncertain Significance. Algorithms developed to predict the effect of missense changes on protein structure and function output the following: SIFT: "Tolerated"; PolyPhen-2: "Benign"; Align-GVGD: "Class C0". The aspartic acid amino acid residue is found in multiple mammalian species, which suggests that this missense change does not adversely affect protein function. This variant has not been reported in the literature in individuals affected with SCLT1-related conditions. This variant is present in population databases (rs771247745, gnomAD 0.003%). This sequence change replaces glutamic acid, which is acidic and polar, with aspartic acid, which is acidic and polar, at codon 234 of the SCLT1 protein (p.Glu234Asp).

NM_144643.4(SCLT1):c.702G>T (p.Glu234Asp)

Gene: SCLT1 (sodium channel and clathrin linker 1; minus strand). Cytogenetic location: 4q28.2.
Variant type: single nucleotide variant.
Coding change: c.702G>T on transcript NM_144643.4 (MANE Select); coding-DNA position 702, G replaced by T.
Protein change: p.Glu234Asp; replaces glutamic acid 234 with aspartic acid.
Molecular consequence: missense variant.
Genome position (GRCh38, 1-based): chr4:128,970,453, C>A on the plus strand (G>T on the coding strand, the complement: SCLT1 is on the minus strand). VCF-style: chr4-128970453-C-A. GRCh37 (hg19) VCF-style: chr4-129891608-C-A.
Other names: short protein forms E234D.
Identifiers: ClinVar variation 1447616 (VCV001447616.6), dbSNP rs771247745, ClinGen allele CA3079835.